The following is an entry in ClinVar:

NM_199420.4(POLQ):c.2187C>T (p.Ile729=)

Gene: POLQ (DNA polymerase theta; minus strand). Cytogenetic location: 3q13.33.
Variant type: single nucleotide variant.
Coding change: c.2187C>T on transcript NM_199420.4 (MANE Select); coding-DNA position 2187, C replaced by T.
Protein change: p.Ile729=; no amino-acid change (isoleucine 729 retained).
Molecular consequence: synonymous variant.
Genome position (GRCh38, 1-based): chr3:121,496,899, G>A on the plus strand (C>T on the coding strand, the complement: POLQ is on the minus strand). VCF-style: chr3-121496899-G-A. GRCh37 (hg19) VCF-style: chr3-121215746-G-A.
Identifiers: ClinVar variation 3043034 (VCV003043034.2), dbSNP rs538953220, ClinGen allele CA2563331.

ClinVar aggregate classification (germline): Benign (0 of 4 stars; one submission).

Conditions:
POLQ-related disorder. Also called: POLQ-related condition.

Allele frequency attached by ClinVar (database versions not stated): TOPMed 0.00009; gnomAD 0.00038; gnomAD exomes 0.00072; ExAC 0.00173; 1000 Genomes Project 30x 0.00219; 1000 Genomes Project 0.00260.
gnomAD v4.1: 1,117 of 1,612,722 alleles (0.069%); highest among the groups gnomAD compares: South Asian, 1.2%; 17 homozygotes.

Submission:

PreventionGenetics, part of Exact Sciences
Classification: Benign for POLQ-related condition. Last evaluated: 2019-07-01. Review status: no assertion criteria provided. Collection method: clinical testing. Allele origin: germline.
Comment: This variant is classified as benign based on ACMG/AMP sequence variant interpretation guidelines (Richards et al. 2015 PMID: 25741868, with internal and published modifications).